The following is an entry in ClinVar:

NM_000548.5(TSC2):c.5294T>C (p.Leu1765Pro)

Gene: TSC2 (TSC complex subunit 2; plus strand). Cytogenetic location: 16p13.3.
Variant type: single nucleotide variant.
Coding change: c.5294T>C on transcript NM_000548.5 (MANE Select); coding-DNA position 5294, T replaced by C.
Protein change: p.Leu1765Pro; replaces leucine 1765 with proline.
Molecular consequence: missense variant.
Genome position (GRCh38, 1-based): chr16:2,088,480, T>C. VCF-style: chr16-2088480-T-C. GRCh37 (hg19) VCF-style: chr16-2138481-T-C.
Other names: c.5093T>C, p.Leu1698Pro (NM_001077183.3); c.5225T>C, p.Leu1742Pro (NM_001114382.3); c.4985T>C, p.Leu1662Pro (NM_001318827.2); c.4949T>C, p.Leu1650Pro (NM_001318829.2); c.4562T>C, p.Leu1521Pro (NM_001318831.2); c.5126T>C, p.Leu1709Pro (NM_001318832.2); c.5096T>C, p.Leu1699Pro (NM_001363528.2); c.5162T>C, p.Leu1721Pro (NM_001370404.1); and 2 more; short protein forms L1521P, L1650P, L1662P, L1698P, L1699P, L1709P, L1718P, L1721P.
Identifiers: ClinVar variation 1055867 (VCV001055867.9), dbSNP rs2151638859, ClinGen allele CA394315295.

ClinVar aggregate classification (germline): Uncertain significance (1 of 4 stars; one submission).

Conditions:
Tuberous sclerosis 2 (TSC2). Identifiers: Orphanet 805, MedGen C1860707, MONDO:0013199, OMIM 613254.

Submission:

Labcorp Genetics (formerly Invitae), Labcorp
Classification: Uncertain significance for Tuberous sclerosis 2. Last evaluated: 2023-06-07. Review status: criteria provided, single submitter. Criteria: Invitae Variant Classification Sherloc (09022015). Collection method: clinical testing. Allele origin: germline.
Comment: ClinVar contains an entry for this variant (Variation ID: 1055867). In summary, the available evidence is currently insufficient to determine the role of this variant in disease. Therefore, it has been classified as a Variant of Uncertain Significance. Advanced modeling of protein sequence and biophysical properties (such as structural, functional, and spatial information, amino acid conservation, physicochemical variation, residue mobility, and thermodynamic stability) performed at Invitae indicates that this missense variant is not expected to disrupt TSC2 protein function. This variant has not been reported in the literature in individuals affected with TSC2-related conditions. This variant is not present in population databases (gnomAD no frequency). This sequence change replaces leucine, which is neutral and non-polar, with proline, which is neutral and non-polar, at codon 1765 of the TSC2 protein (p.Leu1765Pro).